The following is an entry in ClinVar:

ClinVar aggregate classification (germline): Uncertain significance (1 of 4 stars; one submission).

Conditions:
Hereditary cancer-predisposing syndrome. Also called: Neoplastic Syndromes, Hereditary; Tumor predisposition; Hereditary Cancer Syndrome; Hereditary neoplastic syndrome. Identifiers: Orphanet 140162, MedGen C0027672, MeSH D009386, MONDO:0015356.

Submission:

Ambry Genetics
Classification: Uncertain significance for Hereditary cancer-predisposing syndrome. Last evaluated: 2026-04-15. Review status: criteria provided, single submitter. Criteria: Ambry Variant Classification Scheme 2023. Collection method: clinical testing. Allele origin: germline.
Comment: The p.L266V variant (also known as c.796C>G), located in coding exon 6 of the POLD1 gene, results from a C to G substitution at nucleotide position 796. The leucine at codon 266 is replaced by valine, an amino acid with highly similar properties. This amino acid position is conserved. In addition, this alteration is predicted to be tolerated by in silico analysis. Based on the available evidence, the clinical significance of this variant remains unclear.

NM_002691.4(POLD1):c.796C>G (p.Leu266Val)

Gene: POLD1 (DNA polymerase delta 1, catalytic subunit; plus strand). Cytogenetic location: 19q13.33.
Variant type: single nucleotide variant.
Coding change: c.796C>G on transcript NM_002691.4 (MANE Select); coding-DNA position 796, C replaced by G.
Protein change: p.Leu266Val; replaces leucine 266 with valine.
Molecular consequence: missense variant. On other transcripts: non-coding transcript variant (1).
Genome position (GRCh38, 1-based): chr19:50,402,491, C>G. VCF-style: chr19-50402491-C-G. GRCh37 (hg19) VCF-style: chr19-50905748-C-G.
Other names: c.796C>G, p.Leu266Val (NM_001256849.1, NM_001308632.1, NM_001438210.1 and 3 more transcripts); short protein forms L266V.
Identifiers: ClinVar variation 4862179 (VCV004862179.1).